The following is an entry in ClinVar:

NM_001012720.2(RGR):c.631-3C>A

Gene: RGR (retinal G protein coupled receptor; plus strand). Cytogenetic location: 10q23.1.
Variant type: single nucleotide variant.
Coding change: c.631-3C>A on transcript NM_001012720.2 (MANE Select); 3 bases into the intron before coding-DNA position 631, C replaced by A.
Molecular consequence: intron variant.
Genome position (GRCh38, 1-based): chr10:84,257,890, C>A. VCF-style: chr10-84257890-C-A. GRCh37 (hg19) VCF-style: chr10-86017646-C-A.
Other names: c.643-3C>A (NM_002921.4); c.631-618C>A (NM_001012722.2).
Identifiers: ClinVar variation 2709465 (VCV002709465.3), dbSNP rs1462095775, ClinGen allele CA669256010.

ClinVar aggregate classification (germline): Uncertain significance (1 of 4 stars; one submission).

Allele frequency attached by ClinVar (database versions not stated): TOPMed below 0.00001.

Submission:

Labcorp Genetics (formerly Invitae), Labcorp
Classification: Uncertain significance. Last evaluated: 2024-01-15. Review status: criteria provided, single submitter. Criteria: Invitae Variant Classification Sherloc (09022015). Collection method: clinical testing. Allele origin: germline.
Comment: This sequence change falls in intron 5 of the RGR gene. It does not directly change the encoded amino acid sequence of the RGR protein. It affects a nucleotide within the consensus splice site. This variant is not present in population databases (gnomAD no frequency). This variant has not been reported in the literature in individuals affected with RGR-related conditions. Variants that disrupt the consensus splice site are a relatively common cause of aberrant splicing (PMID: 17576681, 9536098). Algorithms developed to predict the effect of sequence changes on RNA splicing suggest that this variant may disrupt the consensus splice site. In summary, the available evidence is currently insufficient to determine the role of this variant in disease. Therefore, it has been classified as a Variant of Uncertain Significance.

Literature cited by the submitters: PubMed 17576681; PubMed 9536098.